The following is an entry in ClinVar:

NM_002900.3(RBP3):c.434G>C (p.Ser145Thr)

Gene: RBP3 (retinol binding protein 3; plus strand). Cytogenetic location: 10q11.22.
Variant type: single nucleotide variant.
Coding change: c.434G>C on transcript NM_002900.3 (MANE Select); coding-DNA position 434, G replaced by C.
Protein change: p.Ser145Thr; replaces serine 145 with threonine.
Molecular consequence: missense variant.
Genome position (GRCh38, 1-based): chr10:47,348,918, G>C. VCF-style: chr10-47348918-G-C. GRCh37 (hg19) VCF-style: chr10-48390444-C-G.
Other names: short protein forms S145T.
Identifiers: ClinVar variation 1918430 (VCV001918430.4), dbSNP rs1555210926, ClinGen allele CA376665053.

ClinVar aggregate classification (germline): Uncertain significance. Review status: criteria provided, multiple submitters, no conflicts (2 of 4 stars). 2 submissions from 2 submitters: Uncertain significance (2). Last evaluated 2024-06-12.

Allele frequency attached by ClinVar (database versions not stated): gnomAD 0.00001; gnomAD exomes 0.00001.
gnomAD v4.1: 20 of 1,613,744 alleles (0.0012%); highest among the groups gnomAD compares: Non-Finnish European, 0.0016%; no homozygotes.

Submissions (2):

Blueprint Genetics
Classification: Uncertain significance. Last evaluated: 2024-06-12. Review status: criteria provided, single submitter. Criteria: ACMG Guidelines, 2015. Collection method: clinical testing. Allele origin: germline.

Labcorp Genetics (formerly Invitae), Labcorp
Classification: Uncertain significance. Last evaluated: 2022-04-28. Review status: criteria provided, single submitter. Criteria: Invitae Variant Classification Sherloc (09022015). Collection method: clinical testing. Allele origin: germline.
Comment: This sequence change replaces serine, which is neutral and polar, with threonine, which is neutral and polar, at codon 145 of the RBP3 protein (p.Ser145Thr). This variant is present in population databases (no rsID available, gnomAD 0.0008%). This variant has not been reported in the literature in individuals affected with RBP3-related conditions. Algorithms developed to predict the effect of missense changes on protein structure and function (SIFT, PolyPhen-2, Align-GVGD) all suggest that this variant is likely to be tolerated. In summary, the available evidence is currently insufficient to determine the role of this variant in disease. Therefore, it has been classified as a Variant of Uncertain Significance.